The following is an entry in ClinVar:

NM_000702.4(ATP1A2):c.1097G>A (p.Gly366Asp)

Gene: ATP1A2 (ATPase Na+/K+ transporting subunit alpha 2; plus strand). Cytogenetic location: 1q23.2.
Variant type: single nucleotide variant.
Coding change: c.1097G>A on transcript NM_000702.4 (MANE Select); coding-DNA position 1097, G replaced by A.
Protein change: p.Gly366Asp; replaces glycine 366 with aspartic acid.
Molecular consequence: missense variant.
Genome position (GRCh38, 1-based): chr1:160,128,731, G>A. VCF-style: chr1-160128731-G-A. GRCh37 (hg19) VCF-style: chr1-160098521-G-A.
Other names: short protein forms G366D.
Identifiers: ClinVar variation 567135 (VCV000567135.9), dbSNP rs1057518514, ClinGen allele CA343239371.
Genomic context (GRCh38, chr1:160,128,731, plus strand): 5'-CCAAGCGCATGGCACGGAAGAACTGCCTGGTGAAGAACCTGGAGGCGGTGGAGACGCTGG[G>A]CTCCACGTCCACCATCTGCTCGGACAAGACGGGCACCCTCACCCAGAACCGCATGACCGT-3'
Protein context (NP_000693.1, residues 356-376): VKNLEAVETL[Gly366Asp]STSTICSDKT

ClinVar aggregate classification (germline): Uncertain significance. Review status: criteria provided, multiple submitters, no conflicts (2 of 4 stars). 2 submissions from 2 submitters: Uncertain significance (2). Last evaluated 2018-10-31.

Conditions:
Familial hemiplegic migraine. Identifiers: MedGen C0338484, MONDO:0000700.
Alternating hemiplegia of childhood 1 (AHC1). Identifiers: Orphanet 2131, MedGen C3549447, MONDO:0007087, OMIM 104290.
Migraine, familial hemiplegic, 2. Identifiers: Orphanet 569, MedGen C1865322, MONDO:0011232, OMIM 602481.

Submissions (2):

Fulgent Genetics
Classification: Uncertain significance for Alternating hemiplegia of childhood 1; Migraine, familial hemiplegic, 2. Last evaluated: 2018-10-31. Review status: criteria provided, single submitter. Criteria: ACMG Guidelines, 2015. Collection method: clinical testing. Allele origin: unknown.

Labcorp Genetics (formerly Invitae), Labcorp
Classification: Uncertain significance for Familial hemiplegic migraine. Last evaluated: 2018-03-09. Review status: criteria provided, single submitter. Criteria: Invitae Variant Classification Sherloc (09022015). Collection method: clinical testing. Allele origin: germline.
Comment: In summary, the available evidence is currently insufficient to determine the role of this variant in disease. Therefore, it has been classified as a Variant of Uncertain Significance. Algorithms developed to predict the effect of missense changes on protein structure and function (SIFT, PolyPhen-2, Align-GVGD) all suggest that this variant is likely to be disruptive, but these predictions have not been confirmed by published functional studies and their clinical significance is uncertain. This variant has not been reported in the literature in individuals with ATP1A2-related disease. This variant is not present in population databases (ExAC no frequency). This sequence change replaces glycine with aspartic acid at codon 366 of the ATP1A2 protein (p.Gly366Asp). The glycine residue is highly conserved and there is a moderate physicochemical difference between glycine and aspartic acid.